The following is an entry in ClinVar:

NM_138370.3(PKDCC):c.782G>A (p.Arg261His)

Gene: PKDCC (protein kinase domain containing, cytoplasmic; plus strand). Cytogenetic location: 2p21.
Variant type: single nucleotide variant.
Coding change: c.782G>A on transcript NM_138370.3 (MANE Select); coding-DNA position 782, G replaced by A.
Protein change: p.Arg261His; replaces arginine 261 with histidine.
Molecular consequence: missense variant.
Genome position (GRCh38, 1-based): chr2:42,054,055, G>A. VCF-style: chr2-42054055-G-A. GRCh37 (hg19) VCF-style: chr2-42281195-G-A.
Other names: short protein forms R261H.
Identifiers: ClinVar variation 2070048 (VCV002070048.1), dbSNP rs144832959, ClinGen allele CA1628022.

ClinVar aggregate classification (germline): Uncertain significance (1 of 4 stars; one submission).

Allele frequency attached by ClinVar (database versions not stated): ExAC 0.00004; gnomAD 0.00005; gnomAD exomes 0.00005; ESP Exome Variant Server 0.00008; TOPMed 0.00013; 1000 Genomes Project 30x 0.00016; 1000 Genomes Project 0.00020.

Submission:

Labcorp Genetics (formerly Invitae), Labcorp
Classification: Uncertain significance. Last evaluated: 2022-08-22. Review status: criteria provided, single submitter. Criteria: Invitae Variant Classification Sherloc (09022015). Collection method: clinical testing. Allele origin: germline.
Comment: This sequence change replaces arginine, which is basic and polar, with histidine, which is basic and polar, at codon 261 of the PKDCC protein (p.Arg261His). This variant is present in population databases (rs144832959, gnomAD 0.007%). This variant has not been reported in the literature in individuals affected with PKDCC-related conditions. Algorithms developed to predict the effect of missense changes on protein structure and function (SIFT, PolyPhen-2, Align-GVGD) all suggest that this variant is likely to be disruptive. In summary, the available evidence is currently insufficient to determine the role of this variant in disease. Therefore, it has been classified as a Variant of Uncertain Significance.